The following is an entry in ClinVar:

NM_001164508.2(NEB):c.6172A>T (p.Ile2058Phe)

Gene: NEB (nebulin; minus strand). Cytogenetic location: 2q23.3.
Variant type: single nucleotide variant.
Coding change: c.6172A>T on transcript NM_001164508.2 (MANE Select); coding-DNA position 6172, A replaced by T.
Protein change: p.Ile2058Phe; replaces isoleucine 2058 with phenylalanine.
Molecular consequence: missense variant.
Genome position (GRCh38, 1-based): chr2:151,657,994, T>A on the plus strand (A>T on the coding strand, the complement: NEB is on the minus strand). VCF-style: chr2-151657994-T-A. GRCh37 (hg19) VCF-style: chr2-152514508-T-A.
Other names: c.6172A>T, p.Ile2058Phe (NM_001164507.2, NM_001271208.2, NM_004543.5); short protein forms I2058F.
Identifiers: ClinVar variation 514945 (VCV000514945.6), dbSNP rs543827269, ClinGen allele CA1910165.

ClinVar aggregate classification (germline): Benign/Likely benign. Review status: criteria provided, multiple submitters, no conflicts (2 of 4 stars). 2 submissions from 2 submitters: Benign (1); Likely benign (1). Last evaluated 2026-01-19.

Conditions:
Nemaline myopathy 2 (NEM2). Also called: Nemaline myopathy 2, autosomal recessive. Identifiers: MedGen C1850569, MONDO:0009725, OMIM 256030.

Allele frequency attached by ClinVar (database versions not stated): gnomAD below 0.00001 and 0.00004; TOPMed 0.00001; 1000 Genomes Project 30x 0.00016; gnomAD exomes 0.00017; 1000 Genomes Project 0.00020; ExAC 0.00032.
gnomAD v4.1: 99 of 1,604,742 alleles (0.0062%); highest among the groups gnomAD compares: South Asian, 0.1%; 1 homozygote.

Submissions (2):

Labcorp Genetics (formerly Invitae), Labcorp
Classification: Benign for Nemaline myopathy 2. Last evaluated: 2026-01-19. Review status: criteria provided, single submitter. Criteria: Invitae Variant Classification Sherloc (09022015). Collection method: clinical testing. Allele origin: germline.

GeneDx
Classification: Likely benign. Last evaluated: 2018-01-24. Review status: criteria provided, single submitter. Criteria: GeneDx Variant Classification (06012015). Collection method: clinical testing. Allele origin: germline. Affected: yes.
Comment: This variant is considered likely benign or benign based on one or more of the following criteria: it is a conservative change, it occurs at a poorly conserved position in the protein, it is predicted to be benign by multiple in silico algorithms, and/or has population frequency not consistent with disease.